The following is an entry in ClinVar:

NM_005559.4(LAMA1):c.4393A>G (p.Thr1465Ala)

Gene: LAMA1 (laminin subunit alpha 1; minus strand). Cytogenetic location: 18p11.31.
Variant type: single nucleotide variant.
Coding change: c.4393A>G on transcript NM_005559.4 (MANE Select); coding-DNA position 4393, A replaced by G.
Protein change: p.Thr1465Ala; replaces threonine 1465 with alanine.
Molecular consequence: missense variant.
Genome position (GRCh38, 1-based): chr18:6,999,987, T>C on the plus strand (A>G on the coding strand, the complement: LAMA1 is on the minus strand). VCF-style: chr18-6999987-T-C. GRCh37 (hg19) VCF-style: chr18-6999986-T-C.
Other names: short protein forms T1465A.
Identifiers: ClinVar variation 2417352 (VCV002417352.5), dbSNP rs2510061108, ClinGen allele CA401846931.

ClinVar aggregate classification (germline): Uncertain significance (1 of 4 stars; one submission).

Submission:

Labcorp Genetics (formerly Invitae), Labcorp
Classification: Uncertain significance. Last evaluated: 2024-02-23. Review status: criteria provided, single submitter. Criteria: Invitae Variant Classification Sherloc (09022015). Collection method: clinical testing. Allele origin: germline.
Comment: This sequence change replaces threonine, which is neutral and polar, with alanine, which is neutral and non-polar, at codon 1465 of the LAMA1 protein (p.Thr1465Ala). This variant is not present in population databases (gnomAD no frequency). This variant has not been reported in the literature in individuals affected with LAMA1-related conditions. ClinVar contains an entry for this variant (Variation ID: 2417352). Advanced modeling of protein sequence and biophysical properties (such as structural, functional, and spatial information, amino acid conservation, physicochemical variation, residue mobility, and thermodynamic stability) performed at Invitae indicates that this missense variant is not expected to disrupt LAMA1 protein function with a negative predictive value of 80%. In summary, the available evidence is currently insufficient to determine the role of this variant in disease. Therefore, it has been classified as a Variant of Uncertain Significance.